The following continues an entry in ClinVar:

NM_000059.4(BRCA2):c.9403del

Gene: BRCA2. ClinVar aggregate classification (germline): Pathogenic. Pathogenic (1).

Submissions 9 to 25 of 25:

Fulgent Genetics
Classification: Pathogenic for Familial cancer of breast; Medulloblastoma; Familial prostate cancer; Wilms tumor 1; Fanconi anemia complementation group D1; Breast-ovarian cancer, familial, susceptibility to, 2; Glioma susceptibility 3; Pancreatic cancer, susceptibility to, 2. Last evaluated: 2022-04-16. Review status: criteria provided, single submitter. Criteria: ACMG Guidelines, 2015. Collection method: clinical testing. Allele origin: unknown. Not counted in ClinVar's aggregate classification.

Sema4
Classification: Pathogenic for Hereditary cancer-predisposing syndrome. Last evaluated: 2022-02-17. Review status: criteria provided, single submitter. Criteria: Sema4 Curation Guidelines. Collection method: curation. Allele origin: germline. Not counted in ClinVar's aggregate classification.
Comment: The BRCA2 c.9403delC (p.L3135FfsX28) variant has been reported in heterozygosity in individuals with hereditary breast and ovarian cancer (PMID: 11102977, 15024741, 15146557, 18489799, 22160602, 26843898, 29339979, 32341426, 33471991). It is also known as 9631delC and 9630delC in the literature. This variant causes a frameshift at amino acid 3135 that results in premature termination 28 amino acids downstream. This alteration is expected to result in loss of function by premature protein truncation or nonsense-mediated mRNA decay. Loss of function variants in BRCA2 are known to be pathogenic (PMID: 29446198). It was not observed in the large and broad cohorts of the Genome Aggregation Database. The variant has been reported in ClinVar (Variation ID 52831). Based on the current evidence available, this variant is interpreted as pathogenic.

Institute of Human Genetics, University of Leipzig Medical Center
Classification: Pathogenic for Breast-ovarian cancer, familial, susceptibility to, 2. Last evaluated: 2021-07-28. Review status: criteria provided, single submitter. Criteria: ACMG Guidelines, 2015. Collection method: clinical testing. Allele origin: unknown. Affected: yes. Not counted in ClinVar's aggregate classification.

Institute of Medical Genetics and Applied Genomics, University Hospital Tübingen
Classification: Pathogenic. Last evaluated: 2020-10-23. Review status: criteria provided, single submitter. Criteria: ACMG Guidelines, 2015. Collection method: clinical testing. Allele origin: germline. Inheritance: Unknown mechanism. Affected: yes. Not counted in ClinVar's aggregate classification.

Color Diagnostics, LLC DBA Color Health
Classification: Pathogenic for Hereditary cancer-predisposing syndrome. Last evaluated: 2020-01-15. Review status: criteria provided, single submitter. Criteria: ACMG Guidelines, 2015. Collection method: clinical testing. Allele origin: germline. Not counted in ClinVar's aggregate classification.
Comment: This variant deletes 1 nucleotide in exon 25 of the BRCA2 gene, creating a frameshift and premature translation stop signal. This variant is expected to result in an absent or non-functional protein product. This variant has not been identified in the general population by the Genome Aggregation Database (gnomAD). Loss of BRCA2 function is a known mechanism of disease. Based on the available evidence, this variant is classified as Pathogenic.

Women's Health and Genetics/Laboratory Corporation of America, LabCorp
Classification: Pathogenic for Hereditary breast ovarian cancer syndrome. Last evaluated: 2017-01-04. Review status: criteria provided, single submitter. Criteria: LabCorp Variant Classification Summary - May 2015. Collection method: clinical testing. Allele origin: germline. Not counted in ClinVar's aggregate classification.
Comment: Variant summary: The BRCA2 c.9403delC (p.Leu3135Phefs) variant results in a premature termination codon, predicted to cause a truncated or absent BRCA2 protein due to nonsense mediated decay, which are commonly known mechanisms for disease. Truncations downstream of this position have been classified as pathogenic by our laboratory (e.g.c.9331G>T/p.Glu3111X, c.9403delC/p.Leu3135fs). One in silico tool predicts a damaging outcome for this variant. This variant has been reported in numerous HBOC patients and is absent in 121310 control chromosomes. In addition, multiple clinical diagnostic laboratories/reputable databases classified this variant as pathogenic. Taken together, this variant is classified as pathogenic.

Consortium of Investigators of Modifiers of BRCA1/2 (CIMBA), c/o University of Cambridge
Classification: Pathogenic for Breast-ovarian cancer, familial, susceptibility to, 2. Last evaluated: 2015-10-02. Review status: criteria provided, single submitter. Criteria: CIMBA Mutation Classification guidelines May 2016. Collection method: clinical testing. Allele origin: germline. Not counted in ClinVar's aggregate classification.

Clinical Genetics DNA and cytogenetics Diagnostics Lab, Erasmus MC, Erasmus Medical Center
Classification: Pathogenic for Breast-ovarian cancer, familial, susceptibility to, 2. Last evaluated: 2015-09-21. Review status: criteria provided, single submitter. Criteria: ACGS Guidelines, 2013. Collection method: clinical testing. Allele origin: germline. Affected: yes. Study: VKGL Data-share Consensus. Not counted in ClinVar's aggregate classification.

Quest Diagnostics Nichols Institute San Juan Capistrano
Classification: Pathogenic for Breast-ovarian cancer, familial, susceptibility to, 2. Last evaluated: 2015-08-04. Review status: criteria provided, single submitter. Criteria: Quest Diagnostics criteria. Collection method: clinical testing. Allele origin: germline. Inheritance: Autosomal dominant inheritance. Not counted in ClinVar's aggregate classification.

Department of Medical Genetics, Oslo University Hospital
Classification: Pathogenic for Breast-ovarian cancer, familial, susceptibility to, 2. Last evaluated: 2015-07-01. Review status: criteria provided, single submitter. Criteria: ACMG Guidelines, 2015. Collection method: clinical testing. Allele origin: germline. Affected: yes. Observed: 1 variant allele. Not counted in ClinVar's aggregate classification.

BRCAlab, Lund University
Classification: Pathogenic for Breast-ovarian cancer, familial, susceptibility to, 2. Last evaluated: 2020-03-02. Review status: no assertion criteria provided. Collection method: clinical testing. Allele origin: germline. Affected: yes. Not counted in ClinVar's aggregate classification.

Counsyl
Classification: Pathogenic for Breast-ovarian cancer, familial, susceptibility to, 2. Last evaluated: 2016-02-16. Review status: no assertion criteria provided. Collection method: clinical testing. Allele origin: unknown. Not counted in ClinVar's aggregate classification.

Research Molecular Genetics Laboratory, Women's College Hospital, University of Toronto
Classification: Pathogenic for Hereditary breast ovarian cancer syndrome. Last evaluated: 2014-01-31. Review status: no assertion criteria provided. Collection method: research. Allele origin: germline. Affected: yes. Study: The Canadian Open Genetics Repository (COGR). Not counted in ClinVar's aggregate classification.

Sharing Clinical Reports Project (SCRP)
Classification: Pathogenic for Breast-ovarian cancer, familial 2. Last evaluated: 2012-07-13. Review status: no assertion criteria provided. Collection method: clinical testing. Allele origin: germline. Not counted in ClinVar's aggregate classification.

Breast Cancer Information Core (BIC) (BRCA2)
Classification: Pathogenic for Breast-ovarian cancer, familial 2. Last evaluated: 2002-05-29. Review status: no assertion criteria provided. Collection method: clinical testing. Allele origin: germline. Affected: yes. Observed: 13 variant alleles. Not counted in ClinVar's aggregate classification.

Department of Pathology and Laboratory Medicine, Sinai Health System
Classification: Pathogenic for Malignant tumor of breast. Review status: no assertion criteria provided. Collection method: clinical testing. Allele origin: unknown. Affected: yes. Study: The Canadian Open Genetics Repository (COGR). Not counted in ClinVar's aggregate classification.
Comment: The BRCA2 p.Leu3135PhefsX28 variant has been reported in the literature in 5/1088 proband chromosomes of high-risk breast/ ovarian cancer patients. However, no controls were tested to establish the frequency of the variant in the general population (Foretova 2004, Machackova 2008). It is listed in the dbSNP database (ID#: rs80359760) as coming from a clinical source. It has also been reported in the UMD (x2 as causal), BIC (x12 as clinically significant) and CNPHI (ACMG 2) databases. This variant is predicted to cause a frameshift, which alters the reading frame beginning at codon 3135 and leads to a premature stop codon, 28 codons downstream. This alteration is predicted to lead to a truncated or absent protein and loss of function. Loss of function of the BRCA2 gene is an established disease mechanism in hereditary breast cancer patients. In summary, based on the above information, this variant is classified as Pathogenic.

Diagnostic Laboratory, Department of Genetics, University Medical Center Groningen
Classification: Pathogenic for Breast-ovarian cancer, familial, susceptibility to, 2. Review status: no assertion criteria provided. Collection method: clinical testing. Allele origin: germline. Affected: yes. Study: VKGL Data-share Consensus. Not counted in ClinVar's aggregate classification.

Literature cited by the submitters: PubMed 20104584 (cited by Labcorp Genetics (formerly Invitae), Labcorp); PubMed 15024741 (cited by 4 submitters); PubMed 15146557 (cited by 4 submitters); PubMed 18489799 (cited by 4 submitters); PubMed 21203900 (cited by Labcorp Genetics (formerly Invitae), Labcorp and Ambry Genetics); PubMed 22160602 (cited by 5 submitters); PubMed 10449599 (cited by Ambry Genetics and Women's Health and Genetics/Laboratory Corporation of America, LabCorp); PubMed 11102977 (cited by 3 submitters); PubMed 15340362 (cited by Ambry Genetics and Women's Health and Genetics/Laboratory Corporation of America, LabCorp); PubMed 25330149 (cited by Ambry Genetics); PubMed 26843898 (cited by 3 submitters); PubMed 27376475 (cited by Ambry Genetics); PubMed 29339979 (cited by Ambry Genetics and Sema4); PubMed 29534594 (cited by Ambry Genetics); PubMed 30322717 (cited by Ambry Genetics); PubMed 31173646 (cited by Ambry Genetics); PubMed 32341426 (cited by Sema4); PubMed 33471991 (cited by Sema4); PubMed 29446198 (cited by Sema4); PubMed 20223018 (cited by Women's Health and Genetics/Laboratory Corporation of America, LabCorp); PubMed 26295337 (cited by Quest Diagnostics Nichols Institute San Juan Capistrano).